The following is an entry in ClinVar:

NM_002025.4(AFF2):c.2003G>A (p.Arg668Lys)

Gene: AFF2 (ALF transcription elongation factor 2; plus strand). Cytogenetic location: Xq28.
Variant type: single nucleotide variant.
Coding change: c.2003G>A on transcript NM_002025.4 (MANE Select); coding-DNA position 2003, G replaced by A.
Protein change: p.Arg668Lys; replaces arginine 668 with lysine.
Molecular consequence: missense variant.
Genome position (GRCh38, 1-based): chrX:148,956,048, G>A. VCF-style: chrX-148956048-G-A. GRCh37 (hg19) VCF-style: chrX-148037578-G-A.
Other names: c.1904G>A, p.Arg635Lys (NM_001169122.2); c.1973G>A, p.Arg658Lys (NM_001169123.2); c.1898G>A, p.Arg633Lys (NM_001169124.2); c.1886G>A, p.Arg629Lys (NM_001169125.2); c.926G>A, p.Arg309Lys (NM_001170628.1); short protein forms R309K, R629K, R633K, R635K, R658K, R668K.
Identifiers: ClinVar variation 3251610 (VCV003251610.1), dbSNP rs782520590.

ClinVar aggregate classification (germline): Uncertain significance (1 of 4 stars; one submission).

Allele frequency attached by ClinVar (database versions not stated): gnomAD exomes below 0.00001; TOPMed below 0.00001; ExAC 0.00001; gnomAD 0.00001.
gnomAD v4.1: 4 of 1,208,777 alleles (0.00033%); highest among the groups gnomAD compares: East Asian, 0.0089%; no homozygotes.

Submission:

Women's Health and Genetics/Laboratory Corporation of America, LabCorp
Classification: Uncertain significance. Last evaluated: 2024-04-01. Review status: criteria provided, single submitter. Criteria: LabCorp Variant Classification Summary - May 2015. Collection method: clinical testing. Allele origin: germline.
Comment: Variant summary: AFF2 c.2003G>A (p.Arg668Lys) results in a conservative amino acid change in the encoded protein sequence. Four of four in-silico tools predict a benign effect of the variant on protein function. The variant allele was found at a frequency of 1.6e-05 in 183157 control chromosomes. The available data on variant occurrences in the general population are insufficient to allow any conclusion about variant significance. c.2003G>A has been reported in the literature in individuals affected with Fragile XE Syndrome(Xiong_2019). These data do not allow any conclusion about variant significance. To our knowledge, no experimental evidence demonstrating an impact on protein function has been reported. The following publication have been ascertained in the context of this evaluation (PMID: 31031587). No submitters have cited clinical-significance assessments for this variant to ClinVar. Based on the evidence outlined above, the variant was classified as uncertain significance.

Literature cited by the submitters: PubMed 31031587.